The following is an entry in ClinVar:

ClinVar aggregate classification (germline): Uncertain significance (1 of 4 stars; one submission).

Conditions:
Cystic fibrosis (CF). Also called: MUCOVISCIDOSIS. Identifiers: Orphanet 586, MedGen C0010674, MONDO:0009061, OMIM 219700. Disease mechanism: loss of function.

Submission:

Ambry Genetics
Classification: Uncertain significance for Cystic fibrosis. Last evaluated: 2025-08-10. Review status: criteria provided, single submitter. Criteria: Ambry Variant Classification Scheme 2023. Collection method: clinical testing. Allele origin: germline.
Comment: The p.T940S variant (also known as c.2819C>G), located in coding exon 17 of the CFTR gene, results from a C to G substitution at nucleotide position 2819. The threonine at codon 940 is replaced by serine, an amino acid with similar properties. This amino acid position is conserved. In addition, the in silico prediction for this alteration is inconclusive. Based on the available evidence, the clinical significance of this variant remains unclear.

NM_000492.4(CFTR):c.2819C>G (p.Thr940Ser)

Gene: CFTR (CF transmembrane conductance regulator; plus strand). Cytogenetic location: 7q31.2.
Variant type: single nucleotide variant.
Coding change: c.2819C>G on transcript NM_000492.4 (MANE Select); coding-DNA position 2819, C replaced by G.
Protein change: p.Thr940Ser; replaces threonine 940 with serine.
Molecular consequence: missense variant.
Genome position (GRCh38, 1-based): chr7:117,603,693, C>G. VCF-style: chr7-117603693-C-G. GRCh37 (hg19) VCF-style: chr7-117243747-C-G.
Other names: short protein forms T940S.
Identifiers: ClinVar variation 4227429 (VCV004227429.1).